The following is an entry in ClinVar:

ClinVar aggregate classification (germline): Uncertain significance (1 of 4 stars; one submission).

Conditions:
Hirschsprung disease, susceptibility to, 3. Identifiers: Orphanet 388, MedGen C3150974, MONDO:0013383, OMIM 613711.

Submission:

Centre for Mendelian Genomics, University Medical Centre Ljubljana
Classification: Uncertain significance for Hirschsprung disease, susceptibility to, 3. Last evaluated: 2020-02-20. Review status: criteria provided, single submitter. Criteria: ACMG Guidelines, 2015. Collection method: clinical testing. Allele origin: unknown. Affected: yes.
Comment: This variant was classified as: Uncertain significance. The available evidence on this variant's pathogenicity is insufficient or conflicting. The following ACMG criteria were applied in classifying this variant: PM2,PP3.

NM_000514.4(GDNF):c.390G>T (p.Leu130Phe)

Gene: GDNF (glial cell derived neurotrophic factor; minus strand). Cytogenetic location: 5p13.2.
Variant type: single nucleotide variant.
Coding change: c.390G>T on transcript NM_000514.4 (MANE Select); coding-DNA position 390, G replaced by T.
Protein change: p.Leu130Phe; replaces leucine 130 with phenylalanine.
Molecular consequence: missense variant.
Genome position (GRCh38, 1-based): chr5:37,815,897, C>A on the plus strand (G>T on the coding strand, the complement: GDNF is on the minus strand). VCF-style: chr5-37815897-C-A. GRCh37 (hg19) VCF-style: chr5-37815999-C-A.
Other names: c.441G>T, p.Leu147Phe (NM_001190468.1); c.363G>T, p.Leu121Phe (NM_001190469.1); c.234G>T, p.Leu78Phe (NM_001278098.1); c.312G>T, p.Leu104Phe (NM_199231.2); short protein forms L104F, L147F, L121F, L130F, L78F.
Identifiers: ClinVar variation 930475 (VCV000930475.3), dbSNP rs1749906739, ClinGen allele CA359614201.
Genomic context (GRCh38, chr5:37,815,897, plus strand): 5'-ATCGCAAGAGCCGCTGCAGTACCTAAAAATCAGTTCCTCCTTGGTTTCATAGCCCAGACC[C>A]AAGTCAGTGACATTTAAATGTATTGCAGTTAAGACACAACCCCGGTTTTTGCCCCTCTGG-3'
Protein context (NP_000505.1, residues 120-140): LTAIHLNVTD[Leu130Phe]GLGYETKEEL